The following is an entry in ClinVar:

NM_000136.3(FANCC):c.345+4AG[2]

Gene: FANCC (FA complementation group C; minus strand). Cytogenetic location: 9q22.32.
Variant type: Microsatellite.
Coding change: c.345+4AG[2] on transcript NM_000136.3 (MANE Select); two copies in a row of the 2-base unit AG starting at c.345+4; the reference has three copies in a row; one copy, 2 bases deleted.
Molecular consequence: intron variant.
Genome position (GRCh38, 1-based): chr9:95,240,640-95,240,641, CT deleted on the plus strand (AG on the coding strand, the reverse complement: FANCC is on the minus strand); deleting any 2 consecutive bases within chr9:95,240,640-95,240,645 gives the same sequence; the position shown is the placement nearest the transcript's 3' end. VCF-style (leftmost placement, unchanged base first): chr9-95240639-ACT-A. GRCh37 (hg19) VCF-style: chr9-98002921-ACT-A.
Other names: c.345+8_345+9del (NM_000136.3, NM_000136.2); c.345+4AG[2] (NM_001243743.2, NM_001243744.2); c.345+8_345+9delAG (NM_000136.3).
Identifiers: ClinVar variation 237071 (VCV000237071.26), dbSNP rs755657969, ClinGen allele CA5137775.

ClinVar aggregate classification (germline): Conflicting classifications of pathogenicity. Review status: criteria provided, conflicting classifications (1 of 4 stars). 9 submissions from 9 submitters: Uncertain significance (3); Benign (1); Likely benign (3). 2 of the submissions do not count toward it. Last evaluated 2025-12-30.

Conditions:
Hereditary cancer. Identifiers: MedGen C1333600.
Fanconi anemia (FA). Also called: Fanconi's anemia. Identifiers: Orphanet 84, MedGen C0015625, MeSH D005199, MONDO:0019391.
Fanconi anemia complementation group C (FANCC). Also called: Fanconi anemia, group C; FANCC-Related Fanconi Anemia; FANCONI PANCYTOPENIA, TYPE 3; FACC. Identifiers: Orphanet 84, MedGen C3468041, MONDO:0009213, OMIM 227645.

Submissions (9):

Labcorp Genetics (formerly Invitae), Labcorp
Classification: Likely benign for Fanconi anemia. Last evaluated: 2025-12-30. Review status: criteria provided, single submitter. Criteria: Invitae Variant Classification Sherloc (09022015). Collection method: clinical testing. Allele origin: germline.

Mendelics
Classification: Likely benign for Hereditary cancer. Last evaluated: 2025-02-27. Review status: criteria provided, single submitter. Criteria: ACMG Guidelines, 2015. Collection method: clinical testing. Allele origin: unknown.
Comment: This variant is considered likely benign or benign based on one or more of the following: it is predicted to be benign by multiple in silico algorithms, and/or has population frequency not consistent with disease, and/or has normal protein function, and/or has lack of segregation with disease, and/or has been detected in co-occurrence with known pathogenic variant, and/or has lack of disease association in case-control studies, and/or is located in a region inconsistent with a known cause of pathogenicity.

Women's Health and Genetics/Laboratory Corporation of America, LabCorp
Classification: Uncertain significance. Last evaluated: 2024-11-04. Review status: criteria provided, single submitter. Criteria: LabCorp Variant Classification Summary - May 2015. Collection method: clinical testing. Allele origin: germline.

Blueprint Genetics
Classification: Likely benign. Last evaluated: 2024-09-12. Review status: criteria provided, single submitter. Criteria: ACMG Guidelines, 2015. Collection method: clinical testing. Allele origin: germline.

Quest Diagnostics Nichols Institute San Juan Capistrano
Classification: Uncertain significance. Last evaluated: 2024-07-17. Review status: criteria provided, single submitter. Criteria: Quest Diagnostics criteria. Collection method: clinical testing. Allele origin: unknown.
Comment: The FANCC c.345+8_345+9del variant has not been reported in individuals with FANCC-related conditions in the published literature. The frequency of this variant in the general population, 0.00022 (11/50650 chromosomes (Genome Aggregation Database)), is uninformative in the assessment of its pathogenicity. Analysis of this variant using software algorithms for the prediction of the effect of nucleotide changes on splicing yielded predictions that this variant does not affect FANCC mRNA splicing. Based on the available information, we are unable to determine the clinical significance of this variant.

Eurofins Ntd Llc (ga)
Classification: Uncertain significance. Last evaluated: 2017-04-19. Review status: criteria provided, single submitter. Criteria: EGL Classification Definitions 2015. Collection method: clinical testing. Allele origin: germline. Observed: 1 variant allele.

GeneDx
Classification: Benign. Last evaluated: 2015-05-05. Review status: criteria provided, single submitter. Criteria: GeneDx Variant Classification (06012015). Collection method: clinical testing. Allele origin: germline. Affected: yes.
Comment: This variant is considered likely benign or benign based on one or more of the following criteria: it is a conservative change, it occurs at a poorly conserved position in the protein, it is predicted to be benign by multiple in silico algorithms, and/or has population frequency not consistent with disease.

Natera, Inc.
Classification: Likely benign for Fanconi anemia. Last evaluated: 2018-04-11. Review status: no assertion criteria provided. Collection method: clinical testing. Allele origin: germline. Not counted in ClinVar's aggregate classification.

Department of Pathology and Laboratory Medicine, Sinai Health System
Classification: Uncertain significance for Fanconi anemia complementation group C. Review status: no assertion criteria provided. Collection method: clinical testing. Allele origin: unknown. Affected: yes. Study: The Canadian Open Genetics Repository (COGR). Not counted in ClinVar's aggregate classification.
Comment: The FANCC c.345+8_345+9del variant was not identified in the literature nor was it identified in the LOVD 3.0 database. The variant was identified in dbSNP (rs755657969) as â€šÃ„Ãºwith other alleleâ€šÃ„Ã¹ and ClinVar (classified as benign by GeneDx, likely benign by Invitae and uncertain significance by EGL Genetic Diagnostics). The variant was identified in control databases in 25 of 281,798 chromosomes at a frequency of 0.00009 (Genome Aggregation Database Feb 27, 2017). The variant was observed in the following populations: European in 21 of 128,724 chromosomes (freq: 0.0002), African in 2 of 24,874 chromosomes (freq: 0.00008), and Latino in 2 of 35,296 chromosomes (freq: 0.00006), while it was not observed in the Ashkenazi Jewish, East Asian, Finnish, Other or South Asian populations. The variant occurs outside of the splicing consensus sequence and in silico or computational prediction software programs (SpliceSiteFinder, MaxEntScan, NNSPLICE, GeneSplicer) do not predict a difference in splicing. In summary, based on the above information, the clinical significance of this variant cannot be determined with certainty at this time. This variant is classified as a variant of uncertain significance.